The following is an entry in ClinVar:

ClinVar aggregate classification (germline): Uncertain significance (1 of 4 stars; one submission).

Conditions:
Hypertrophic cardiomyopathy. Also called: HYPERTROPHIC MYOCARDIOPATHY. Identifiers: Orphanet 217569, MedGen C0007194, MeSH D002312, MONDO:0005045, HP:0001639.

Submission:

Labcorp Genetics (formerly Invitae), Labcorp
Classification: Uncertain significance for Hypertrophic cardiomyopathy. Last evaluated: 2024-07-08. Review status: criteria provided, single submitter. Criteria: Invitae Variant Classification Sherloc (09022015). Collection method: clinical testing. Allele origin: germline.
Comment: This sequence change falls in intron 9 of the MYBPC3 gene. It does not directly change the encoded amino acid sequence of the MYBPC3 protein. It affects a nucleotide within the consensus splice site. This variant is not present in population databases (gnomAD no frequency). This variant has not been reported in the literature in individuals affected with MYBPC3-related conditions. ClinVar contains an entry for this variant (Variation ID: 2119744). Variants that disrupt the consensus splice site are a relatively common cause of aberrant splicing (PMID: 17576681, 9536098). Algorithms developed to predict the effect of sequence changes on RNA splicing suggest that this variant may disrupt the consensus splice site. In summary, the available evidence is currently insufficient to determine the role of this variant in disease. Therefore, it has been classified as a Variant of Uncertain Significance.

Literature cited by the submitters: PubMed 17576681; PubMed 9536098.

NM_000256.3(MYBPC3):c.905+5G>A

Gene: MYBPC3 (myosin binding protein C3; minus strand). Cytogenetic location: 11p11.2.
Variant type: single nucleotide variant.
Coding change: c.905+5G>A on transcript NM_000256.3 (MANE Select); 5 bases into the intron after coding-DNA position 905, G replaced by A.
Molecular consequence: intron variant.
Genome position (GRCh38, 1-based): chr11:47,347,421, C>T on the plus strand (G>A on the coding strand, the complement: MYBPC3 is on the minus strand). VCF-style: chr11-47347421-C-T. GRCh37 (hg19) VCF-style: chr11-47368972-C-T.
Identifiers: ClinVar variation 2119744 (VCV002119744.4), dbSNP rs2495774009, ClinGen allele CA2580084191.